The following is an entry in ClinVar:

NM_004606.5(TAF1):c.5230C>T (p.Leu1744=)

Gene: TAF1 (TATA-box binding protein associated factor 1; plus strand). Cytogenetic location: Xq13.1.
Variant type: single nucleotide variant.
Coding change: c.5230C>T on transcript NM_004606.5 (MANE Select); coding-DNA position 5230, C replaced by T.
Protein change: p.Leu1744=; no amino-acid change (leucine 1744 retained).
Molecular consequence: synonymous variant. On other transcripts: non-coding transcript variant (9).
Genome position (GRCh38, 1-based): chrX:71,460,634, C>T. VCF-style: chrX-71460634-C-T. GRCh37 (hg19) VCF-style: chrX-70680484-C-T.
Other names: c.5236C>T, p.Leu1746= (NM_001286074.2); c.5167C>T, p.Leu1723= (NM_138923.4).
Identifiers: ClinVar variation 699971 (VCV000699971.49), dbSNP rs139893377, ClinGen allele CA10447369.

ClinVar aggregate classification (germline): Benign/Likely benign. Review status: criteria provided, multiple submitters, no conflicts (2 of 4 stars). 4 submissions from 4 submitters: Benign (1); Likely benign (3). Last evaluated 2026-02-01.

Allele frequency attached by ClinVar (database versions not stated): gnomAD exomes 0.00004; gnomAD 0.00006; TOPMed 0.00007; ExAC 0.00008; ESP Exome Variant Server 0.00009; 1000 Genomes Project 30x 0.00021; 1000 Genomes Project 0.00026.
gnomAD v4.1: 48 of 1,209,654 alleles (0.004%); highest among the groups gnomAD compares: Middle Eastern, 0.21%; 1 homozygote.

Submissions (4):

CeGaT Center for Human Genetics Tuebingen
Classification: Likely benign. Last evaluated: 2026-02-01. Review status: criteria provided, single submitter. Criteria: CeGaT Center For Human Genetics Tuebingen Variant Classification Criteria Version 2. Collection method: clinical testing. Allele origin: germline. Affected: yes. Observed: 2 variant alleles.
Comment: TAF1: BP4, BP7, BS2

Labcorp Genetics (formerly Invitae), Labcorp
Classification: Benign. Last evaluated: 2025-09-15. Review status: criteria provided, single submitter. Criteria: Invitae Variant Classification Sherloc (09022015). Collection method: clinical testing. Allele origin: germline.

Blueprint Genetics
Classification: Likely benign. Last evaluated: 2024-11-21. Review status: criteria provided, single submitter. Criteria: ACMG Guidelines, 2015. Collection method: clinical testing. Allele origin: germline.

Breakthrough Genomics
Classification: Likely benign. Review status: criteria provided, single submitter. Criteria: ACMG Guidelines, 2015. Collection method: not provided. Allele origin: germline. Inheritance: X-linked inheritance. Affected: yes.